The following is an entry in ClinVar:

ClinVar aggregate classification (germline): Pathogenic (1 of 4 stars; one submission).

Conditions:
Charcot-Marie-Tooth disease axonal type 2V. Also called: CHARCOT-MARIE-TOOTH NEUROPATHY, TYPE 2V; CHARCOT-MARIE-TOOTH DISEASE, AXONAL, AUTOSOMAL DOMINANT, TYPE 2V. Identifiers: Orphanet 447964, MedGen C5569050, MONDO:0014665, OMIM 616491.
Mucopolysaccharidosis, MPS-III-B (MPS3B). Also called: N-ACETYL-ALPHA-D-GLUCOSAMINIDASE DEFICIENCY; NAGLU DEFICIENCY; SANFILIPPO SYNDROME B; MPS III B; MUCOPOLYSACCHARIDOSIS, TYPE IIIB; MPS IIIB (Sanfilippo Syndrome Type B). Identifiers: Orphanet 79270, MedGen C0086648, MONDO:0009656, OMIM 252920.

Allele frequency attached by ClinVar (database versions not stated): ExAC 0.00001.
gnomAD v4.1: 1 of 1,607,186 alleles (0.000062%); highest among the groups gnomAD compares: Admixed American, 0.0017%; no homozygotes.

Submission:

Labcorp Genetics (formerly Invitae), Labcorp
Classification: Pathogenic for Charcot-Marie-Tooth disease axonal type 2V; Mucopolysaccharidosis, MPS-III-B. Last evaluated: 2021-11-28. Review status: criteria provided, single submitter. Criteria: Invitae Variant Classification Sherloc (09022015). Collection method: clinical testing. Allele origin: germline.
Comment: This variant disrupts a region of the NAGLU protein in which other variant(s) (p.Glu705Lys) have been determined to be pathogenic (PMID: 9832037; Invitae). This suggests that this is a clinically significant region of the protein, and that variants that disrupt it are likely to be disease-causing. This sequence change creates a premature translational stop signal (p.Gln640*) in the NAGLU gene. While this is not anticipated to result in nonsense mediated decay, it is expected to disrupt the last 104 amino acid(s) of the NAGLU protein. The frequency data for this variant in the population databases is considered unreliable, as metrics indicate poor data quality at this position in the gnomAD database. This premature translational stop signal has been observed in individual(s) with mucopolysaccharidosis type III (PMID: 29979746). For these reasons, this variant has been classified as Pathogenic.

Literature cited by the submitters: PubMed 9832037; PubMed 29979746.

NM_000263.4(NAGLU):c.1918C>T (p.Gln640Ter)

Gene: NAGLU (N-acetyl-alpha-glucosaminidase; plus strand). Cytogenetic location: 17q21.2.
Variant type: single nucleotide variant.
Coding change: c.1918C>T on transcript NM_000263.4 (MANE Select); coding-DNA position 1918, C replaced by T.
Protein change: p.Gln640Ter; replaces glutamine 640 with a stop codon.
Molecular consequence: nonsense.
Genome position (GRCh38, 1-based): chr17:42,543,924, C>T. VCF-style: chr17-42543924-C-T. GRCh37 (hg19) VCF-style: chr17-40695942-C-T.
Other names: short protein forms Q640*.
Identifiers: ClinVar variation 2169596 (VCV002169596.4), dbSNP rs753670246, ClinGen allele CA8577121.